The following is an entry in ClinVar:

NM_001453.3(FOXC1):c.1130_1168del (p.Gly377_Gly389del)

Gene: FOXC1 (forkhead box C1; plus strand). Cytogenetic location: 6p25.3.
Variant type: Deletion.
Coding change: c.1130_1168del on transcript NM_001453.3 (MANE Select); coding-DNA positions 1130 to 1168, 39 bases deleted.
Protein change: p.Gly377_Gly389del.
Genome position (GRCh38, 1-based): chr6:1,611,575-1,611,613, 39 bases deleted; deleting any 39 consecutive bases within chr6:1,611,566-1,611,613 gives the same sequence; the c. name uses the placement nearest the transcript's 3' end. GRCh37 (hg19): chr6:1,611,810-1,611,848.
Identifiers: ClinVar variation 4810749 (VCV004810749.1).

ClinVar aggregate classification (germline): Uncertain significance (1 of 4 stars; one submission).

Conditions:
Axenfeld-Rieger syndrome type 3 (RIEG3). Also called: AXENFELD-RIEGER ANOMALY WITH CARDIAC DEFECTS AND/OR SENSORINEURAL HEARING LOSS. Identifiers: Orphanet 782, MedGen C2678503, MONDO:0011233, OMIM 602482.

Submission:

Labcorp Genetics (formerly Invitae), Labcorp
Classification: Uncertain significance for Axenfeld-Rieger syndrome type 3. Last evaluated: 2025-08-04. Review status: criteria provided, single submitter. Criteria: Invitae Variant Classification Sherloc (09022015). Collection method: clinical testing. Allele origin: germline.
Comment: This variant, c.1130_1168del, results in the deletion of 13 amino acid(s) of the FOXC1 protein (p.Gly377_Gly389del), but otherwise preserves the integrity of the reading frame. The frequency data for this variant in the population databases is considered unreliable, as metrics indicate poor data quality at this position in the gnomAD database. This variant has not been reported in the literature in individuals affected with FOXC1-related conditions. Experimental studies and prediction algorithms are not available or were not evaluated, and the functional significance of this variant is currently unknown. In summary, the available evidence is currently insufficient to determine the role of this variant in disease. Therefore, it has been classified as a Variant of Uncertain Significance.